The following is an entry in ClinVar:

ClinVar aggregate classification (germline): Pathogenic (1 of 4 stars; one submission).

Conditions:
Short-rib thoracic dysplasia 6 with or without polydactyly (SRTD6). Also called: Majewski Syndrome; POLYDACTYLY WITH NEONATAL CHONDRODYSTROPHY, TYPE II; SHORT RIB-POLYDACTYLY SYNDROME, TYPE IIA; SHORT-RIB THORACIC DYSPLASIA 6 WITH POLYDACTYLY; SHORT-RIB THORACIC DYSPLASIA 6 WITHOUT POLYDACTYLY. Identifiers: MedGen C0024507, MONDO:0009894, OMIM 263520.

Submission:

Kasturba Medical College, Manipal, Kasturba Medical College, Manipal, Manipal Academy of Higher Education, Manipal, India
Classification: Pathogenic for Short-rib thoracic dysplasia 6 with or without polydactyly. Review status: criteria provided, single submitter. Criteria: ACMG Guidelines, 2015. Collection method: clinical testing. Allele origin: unknown. Inheritance: Autosomal recessive inheritance. Affected: yes. Observed: 1 homozygote.
Comment: This variant is predicted to introduce premature truncation codon which might either trigger the transcript to undergo nonsense-mediated decay or lead to formation of a truncated protein product.

NM_001199397.3(NEK1):c.1238dup (p.Ser414fs)

Gene: NEK1 (NIMA related kinase 1; minus strand). Cytogenetic location: 4q33.
Variant type: Duplication.
Coding change: c.1238dup on transcript NM_001199397.3 (MANE Select); coding-DNA position 1238, one base duplicated (T; older notation c.1238dupT).
Protein change: p.Ser414fs; shifts the reading frame from serine 414.
Molecular consequence: frameshift variant. On other transcripts: non-coding transcript variant (2), intron variant (2).
Genome position (GRCh38, 1-based): chr4:169,561,508, A duplicated on the plus strand (T on the coding strand, the reverse complement: NEK1 is on the minus strand). VCF-style (leftmost placement, unchanged base first): chr4-169561507-T-TA. GRCh37 (hg19) VCF-style: chr4-170482658-T-TA.
Other names: c.1238dup, p.Ser414fs (NM_001199398.3, NM_001199400.3, NM_001374418.1 and 4 more transcripts); c.1187dup, p.Ser397fs (NM_001374420.1); c.1140+324dup (NM_001374421.1); c.1191+179dup (NM_001199399.3); short protein forms S397fs, S414fs.
Identifiers: ClinVar variation 3366988 (VCV003366988.2).